The following is an entry in ClinVar:

ClinVar aggregate classification (germline): Uncertain significance. Review status: criteria provided, multiple submitters, no conflicts (2 of 4 stars). 2 submissions from 2 submitters: Uncertain significance (2). Last evaluated 2023-08-01.

Submissions (2):

CeGaT Center for Human Genetics Tuebingen
Classification: Uncertain significance. Last evaluated: 2023-08-01. Review status: criteria provided, single submitter. Criteria: CeGaT Center For Human Genetics Tuebingen Variant Classification Criteria Version 2. Collection method: clinical testing. Allele origin: germline. Affected: yes. Observed: 1 variant allele.
Comment: SMARCA2: PM2, BP3

Labcorp Genetics (formerly Invitae), Labcorp
Classification: Uncertain significance. Last evaluated: 2023-07-19. Review status: criteria provided, single submitter. Criteria: Invitae Variant Classification Sherloc (09022015). Collection method: clinical testing. Allele origin: germline.
Comment: In summary, the available evidence is currently insufficient to determine the role of this variant in disease. Therefore, it has been classified as a Variant of Uncertain Significance. Experimental studies and prediction algorithms are not available or were not evaluated, and the functional significance of this variant is currently unknown. This variant has not been reported in the literature in individuals affected with SMARCA2-related conditions. This variant is present in population databases (no rsID available, gnomAD 0.003%). This variant, c.4566_4571del, results in the deletion of 2 amino acid(s) of the SMARCA2 protein (p.Glu1522_Glu1523del), but otherwise preserves the integrity of the reading frame.

NM_003070.5(SMARCA2):c.4560GGAAGA[1] (p.Glu1522_Glu1523del)

Gene: SMARCA2 (SWI/SNF related BAF chromatin remodeling complex subunit ATPase 2; plus strand). Cytogenetic location: 9p24.3.
Variant type: Microsatellite.
Coding change: c.4560GGAAGA[1] on transcript NM_003070.5 (MANE Select); one copy of the 6-base unit GGAAGA starting at c.4560; the reference has two copies in a row; one copy, 6 bases deleted.
Protein change: p.Glu1522_Glu1523del.
Molecular consequence: inframe deletion. On other transcripts: inframe indel (3).
Genome position (GRCh38, 1-based): chr9:2,186,200-2,186,205, GGAAGA deleted; deleting any 6 consecutive bases within chr9:2,186,192-2,186,205 gives the same sequence; the position shown is the placement nearest the transcript's 3' end. VCF-style (leftmost placement, unchanged base first): chr9-2186191-GGAGGAA-G. GRCh37 (hg19) VCF-style: chr9-2186191-GGAGGAA-G.
Other names: c.4560_4565GGAAGA[1], p.Glu1522_Glu1523del (NM_001289396.2); c.4332GGAAGA[1], p.Glu1446_Glu1447del (NM_001289397.2); c.534GGAAGA[1], p.Glu180_Glu181del (NM_001289398.2); c.618_623GGAAGA[1], p.Glu208_Glu209del (NM_001289399.2); c.624_629GGAAGA[1], p.Glu210_Glu211del (NM_001289400.2); c.4506GGAAGA[1], p.Glu1504_Glu1505del (NM_139045.4).
Identifiers: ClinVar variation 2579057 (VCV002579057.27), dbSNP rs1373436130, ClinGen allele CA585920018.